The following is an entry in ClinVar:

ClinVar aggregate classification (germline): Uncertain significance (1 of 4 stars; one submission).

Allele frequency attached by ClinVar (database versions not stated): TOPMed below 0.00001; gnomAD 0.00002.
gnomAD v4.1: 15 of 1,570,362 alleles (0.00096%); highest among the groups gnomAD compares: African/African-American, 0.0081%; no homozygotes.

Submission:

Labcorp Genetics (formerly Invitae), Labcorp
Classification: Uncertain significance. Last evaluated: 2024-07-08. Review status: criteria provided, single submitter. Criteria: Invitae Variant Classification Sherloc (09022015). Collection method: clinical testing. Allele origin: germline.
Comment: This sequence change falls in intron 10 of the AP3D1 gene. It does not directly change the encoded amino acid sequence of the AP3D1 protein. It affects a nucleotide within the consensus splice site. This variant is present in population databases (rs372792845, gnomAD 0.005%). This variant has not been reported in the literature in individuals affected with AP3D1-related conditions. ClinVar contains an entry for this variant (Variation ID: 1428368). Variants that disrupt the consensus splice site are a relatively common cause of aberrant splicing (PMID: 17576681, 9536098). Algorithms developed to predict the effect of sequence changes on RNA splicing suggest that this variant is not likely to affect RNA splicing. In summary, the available evidence is currently insufficient to determine the role of this variant in disease. Therefore, it has been classified as a Variant of Uncertain Significance.

Literature cited by the submitters: PubMed 17576681; PubMed 9536098.

NM_001261826.3(AP3D1):c.906+5G>A

Gene: AP3D1 (adaptor related protein complex 3 subunit delta 1; minus strand). Cytogenetic location: 19p13.3.
Variant type: single nucleotide variant.
Coding change: c.906+5G>A on transcript NM_001261826.3 (MANE Select); 5 bases into the intron after coding-DNA position 906, G replaced by A.
Molecular consequence: intron variant.
Genome position (GRCh38, 1-based): chr19:2,123,825, C>T on the plus strand (G>A on the coding strand, the complement: AP3D1 is on the minus strand). VCF-style: chr19-2123825-C-T. GRCh37 (hg19) VCF-style: chr19-2123824-C-T.
Other names: c.906+5G>A (NM_003938.8, NM_001374799.1).
Identifiers: ClinVar variation 1428368 (VCV001428368.6), dbSNP rs372792845, ClinGen allele CA304165747.
Genomic context (GRCh38, chr19:2,123,825, plus strand): 5'-GCCTGTGGAAAGGTGTGGCCTCTGCAGTGTGGGACCCCATGGGCCCCGCCCAGTGCGGGA[C>T]GTACCTGGATGCTGGCGCTGTGGTTGGGCATGCCGGAGGACAGCGAGATGAGCACTGCAA-3'